The following is an entry in ClinVar:

ClinVar aggregate classification (germline): Uncertain significance (1 of 4 stars; one submission).

Conditions:
Rubinstein-Taybi syndrome (RSTS). Identifiers: Orphanet 783, MedGen C0035934, MONDO:0019188.

gnomAD v4.1: 3 of 1,614,166 alleles (0.00019%); highest among the groups gnomAD compares: Non-Finnish European, 0.00017%; no homozygotes.

Submission:

Labcorp Genetics (formerly Invitae), Labcorp
Classification: Uncertain significance for Rubinstein-Taybi syndrome. Last evaluated: 2023-10-07. Review status: criteria provided, single submitter. Criteria: Invitae Variant Classification Sherloc (09022015). Collection method: clinical testing. Allele origin: germline.
Comment: This sequence change replaces glycine, which is neutral and non-polar, with arginine, which is basic and polar, at codon 1814 of the CREBBP protein (p.Gly1814Arg). This variant is not present in population databases (gnomAD no frequency). This variant has not been reported in the literature in individuals affected with CREBBP-related conditions. Advanced modeling of protein sequence and biophysical properties (such as structural, functional, and spatial information, amino acid conservation, physicochemical variation, residue mobility, and thermodynamic stability) performed at Invitae indicates that this missense variant is expected to disrupt CREBBP protein function. In summary, the available evidence is currently insufficient to determine the role of this variant in disease. Therefore, it has been classified as a Variant of Uncertain Significance.

NM_004380.3(CREBBP):c.5440G>A (p.Gly1814Arg)

Gene: CREBBP (CREB binding lysine acetyltransferase; minus strand). Cytogenetic location: 16p13.3.
Variant type: single nucleotide variant.
Coding change: c.5440G>A on transcript NM_004380.3 (MANE Select); coding-DNA position 5440, G replaced by A.
Protein change: p.Gly1814Arg; replaces glycine 1814 with arginine.
Molecular consequence: missense variant.
Genome position (GRCh38, 1-based): chr16:3,729,607, C>T on the plus strand (G>A on the coding strand, the complement: CREBBP is on the minus strand). VCF-style: chr16-3729607-C-T. GRCh37 (hg19) VCF-style: chr16-3779608-C-T.
Other names: c.5326G>A, p.Gly1776Arg (NM_001079846.1); short protein forms G1776R, G1814R.
Identifiers: ClinVar variation 2813142 (VCV002813142.3), dbSNP rs747252584, ClinGen allele CA394556386.